The following is an entry in ClinVar:

NM_007194.4(CHEK2):c.1347del (p.Glu450fs)

Gene: CHEK2 (checkpoint kinase 2; minus strand). Cytogenetic location: 22q12.1.
Variant type: Deletion.
Coding change: c.1347del on transcript NM_007194.4 (MANE Select); coding-DNA position 1347, one base deleted (T; older notation c.1347delT).
Protein change: p.Glu450fs; shifts the reading frame from glutamic acid 450.
Molecular consequence: frameshift variant.
Genome position (GRCh38, 1-based): chr22:28,695,155, A deleted on the plus strand (T on the coding strand, the reverse complement: CHEK2 is on the minus strand). VCF-style (leftmost placement, unchanged base first): chr22-28695154-CA-C. GRCh37 (hg19) VCF-style: chr22-29091142-CA-C.
Other names: c.1476delT, p.Glu493Lysfs (NM_001005735.3); c.684delT, p.Glu229Lysfs (NM_001257387.3); c.1146delT, p.Glu383Lysfs (NM_001349956.3); c.1260delT, p.Glu421Lysfs (NM_145862.3); short protein forms E383fs, E450fs, E229fs, E493fs, E421fs.
Identifiers: ClinVar variation 646430 (VCV000646430.7), dbSNP rs1601719287, ClinGen allele CA915952842.

ClinVar aggregate classification (germline): Pathogenic (1 of 4 stars; one submission).

Conditions:
Familial cancer of breast. Also called: hereditary breast carcinoma; Hereditary breast cancer; BREAST CANCER, FAMILIAL. Identifiers: Orphanet 227535, MedGen C0346153, MONDO:0016419, OMIM 114480. Disease mechanism: loss of function.

Submission:

Labcorp Genetics (formerly Invitae), Labcorp
Classification: Pathogenic for Familial cancer of breast. Last evaluated: 2018-08-15. Review status: criteria provided, single submitter. Criteria: Invitae Variant Classification Sherloc (09022015). Collection method: clinical testing. Allele origin: germline.
Comment: This variant is not present in population databases (ExAC no frequency). This sequence change creates a premature translational stop signal (p.Glu450Lysfs*19) in the CHEK2 gene. It is expected to result in an absent or disrupted protein product. This variant has not been reported in the literature in individuals with CHEK2-related disease. For these reasons, this variant has been classified as Pathogenic. Loss-of-function variants in CHEK2 are known to be pathogenic (PMID: 21876083, 24713400).

Literature cited by the submitters: PubMed 21876083; PubMed 24713400.